The following is an entry in ClinVar:

NM_001999.4(FBN2):c.8321A>T (p.Asp2774Val)

Gene: FBN2 (fibrillin 2; minus strand). Cytogenetic location: 5q23.3.
Variant type: single nucleotide variant.
Coding change: c.8321A>T on transcript NM_001999.4 (MANE Select); coding-DNA position 8321, A replaced by T.
Protein change: p.Asp2774Val; replaces aspartic acid 2774 with valine.
Molecular consequence: missense variant.
Genome position (GRCh38, 1-based): chr5:128,261,779, T>A on the plus strand (A>T on the coding strand, the complement: FBN2 is on the minus strand). VCF-style: chr5-128261779-T-A. GRCh37 (hg19) VCF-style: chr5-127597471-T-A.
Other names: short protein forms D2774V.
Identifiers: ClinVar variation 1303298 (VCV001303298.2), dbSNP rs1351974492, ClinGen allele CA360747239.

ClinVar aggregate classification (germline): Uncertain significance (1 of 4 stars; one submission).

Allele frequency attached by ClinVar (database versions not stated): gnomAD exomes below 0.00001; gnomAD 0.00001; TOPMed 0.00001.
gnomAD v4.1: 3 of 1,614,118 alleles (0.00019%); highest among the groups gnomAD compares: Non-Finnish European, 0.00025%; no homozygotes.

Submission:

GeneDx
Classification: Uncertain significance. Last evaluated: 2019-03-25. Review status: criteria provided, single submitter. Criteria: GeneDx Variant Classification Process June 2021. Collection method: clinical testing. Allele origin: germline. Affected: yes.
Comment: Has not been previously published as pathogenic or benign to our knowledge; Not observed in large population cohorts (Lek et al., 2016); In silico analysis, which includes protein predictors and evolutionary conservation, supports a deleterious effect